The following is an entry in ClinVar:

ClinVar aggregate classification (germline): Likely benign (1 of 4 stars; one submission).

gnomAD v4.1: 9 of 1,614,162 alleles (0.00056%); highest among the groups gnomAD compares: Non-Finnish European, 0.00076%; no homozygotes.

Submission:

CeGaT Center for Human Genetics Tuebingen
Classification: Likely benign. Last evaluated: 2025-06-01. Review status: criteria provided, single submitter. Criteria: CeGaT Center For Human Genetics Tuebingen Variant Classification Criteria Version 2. Collection method: clinical testing. Allele origin: germline. Affected: yes. Observed: 1 variant allele.
Comment: ZNF462: BP4, BP7

NM_021224.6(ZNF462):c.858T>C (p.Pro286=)

Gene: ZNF462 (zinc finger protein 462; plus strand). Cytogenetic location: 9q31.2.
Variant type: single nucleotide variant.
Coding change: c.858T>C on transcript NM_021224.6 (MANE Select); coding-DNA position 858, T replaced by C.
Protein change: p.Pro286=; no amino-acid change (proline 286 retained).
Molecular consequence: synonymous variant.
Genome position (GRCh38, 1-based): chr9:106,924,770, T>C. VCF-style: chr9-106924770-T-C. GRCh37 (hg19) VCF-style: chr9-109687051-T-C.
Other names: c.858T>C, p.Pro286= (NM_001347997.2).
Identifiers: ClinVar variation 4084936 (VCV004084936.8).